The following is an entry in ClinVar:

ClinVar aggregate classification (germline): Conflicting classifications of pathogenicity. Review status: criteria provided, conflicting classifications (1 of 4 stars). 6 submissions from 6 submitters: Uncertain significance (5); Likely benign (1). Last evaluated 2025-03-09.

Conditions:
Cardiovascular phenotype. Identifiers: MedGen CN230736.
Dilated cardiomyopathy 1AA (CMD1AA). Also called: Cardiomyopathy, dilated, 1AA, with or without LVNC; CARDIOMYOPATHY, DILATED, 1AA, WITH OR WITHOUT LEFT VENTRICULAR NONCOMPACTION; CARDIOMYOPATHY, FAMILIAL HYPERTROPHIC, 23, WITH OR WITHOUT LEFT VENTRICULAR NONCOMPACTION. Identifiers: Orphanet 154, MedGen C2677338, MONDO:0012808, OMIM 612158.
Primary familial hypertrophic cardiomyopathy (HCM). Identifiers: Orphanet 99739, MedGen C0949658, MeSH D024741, MONDO:0024573. Inheritance: Various modes of inheritance.
Cardiomyopathy (CMYO). Also called: Cardiomyopathies. Identifiers: Orphanet 167848, MedGen C0878544, MONDO:0004994, HP:0001638. Inheritance: Various modes of inheritance.

Allele frequency attached by ClinVar (database versions not stated): gnomAD exomes below 0.00001; TOPMed 0.00002.
gnomAD v4.1: 7 of 1,614,186 alleles (0.00043%); highest among the groups gnomAD compares: Non-Finnish European, 0.000085%; 1 homozygote.

Submissions (6):

Ambry Genetics
Classification: Uncertain significance for Cardiovascular phenotype. Last evaluated: 2025-03-09. Review status: criteria provided, single submitter. Criteria: Ambry Variant Classification Scheme 2023. Collection method: clinical testing. Allele origin: germline.
Comment: The p.R169T variant (also known as c.506G>C), located in coding exon 5 of the ACTN2 gene, results from a G to C substitution at nucleotide position 506. The arginine at codon 169 is replaced by threonine, an amino acid with similar properties. This amino acid position is conserved. In addition, the in silico prediction for this alteration is inconclusive. Since supporting evidence is limited at this time, the clinical significance of this alteration remains unclear.

CeGaT Center for Human Genetics Tuebingen
Classification: Uncertain significance. Last evaluated: 2025-02-01. Review status: criteria provided, single submitter. Criteria: CeGaT Center For Human Genetics Tuebingen Variant Classification Criteria Version 2. Collection method: clinical testing. Allele origin: germline. Affected: yes. Observed: 1 variant allele.
Comment: ACTN2: PM2

Blueprint Genetics
Classification: Uncertain significance. Last evaluated: 2024-06-19. Review status: criteria provided, single submitter. Criteria: ACMG Guidelines, 2015. Collection method: clinical testing. Allele origin: germline.

Labcorp Genetics (formerly Invitae), Labcorp
Classification: Likely benign for Primary familial hypertrophic cardiomyopathy; Dilated cardiomyopathy 1AA. Last evaluated: 2024-03-14. Review status: criteria provided, single submitter. Criteria: Invitae Variant Classification Sherloc (09022015). Collection method: clinical testing. Allele origin: germline.

CHEO Genetics Diagnostic Laboratory, Children's Hospital of Eastern Ontario
Classification: Uncertain significance for Cardiomyopathy. Last evaluated: 2023-02-24. Review status: criteria provided, single submitter. Criteria: ACMG Guidelines, 2015. Collection method: clinical testing. Allele origin: germline.

Laboratory for Molecular Medicine, Mass General Brigham Personalized Medicine
Classification: Uncertain significance. Last evaluated: 2014-07-03. Review status: criteria provided, single submitter. Criteria: LMM Criteria. Collection method: clinical testing. Allele origin: germline. Observed: 1 variant allele.
Comment: The Arg169Thr variant in ACTN2 has not been previously reported in individuals w ith cardiomyopathy or in large population studies. Computational prediction tool s and conservation analysis do not provide strong support for or against an impa ct to the protein. In summary, the clinical significance of the Arg169Thr varian t is uncertain.

NM_001103.4(ACTN2):c.506G>C (p.Arg169Thr)

Gene: ACTN2 (actinin alpha 2; plus strand). Cytogenetic location: 1q43.
Variant type: single nucleotide variant.
Coding change: c.506G>C on transcript NM_001103.4 (MANE Select); coding-DNA position 506, G replaced by C.
Protein change: p.Arg169Thr; replaces arginine 169 with threonine.
Molecular consequence: missense variant. On other transcripts: 5 prime UTR variant (1).
Genome position (GRCh38, 1-based): chr1:236,725,990, G>C. VCF-style: chr1-236725990-G-C. GRCh37 (hg19) VCF-style: chr1-236889290-G-C.
Other names: c.506G>C, p.Arg169Thr (NM_001278343.2); c.-316G>C (NM_001278344.2); short protein forms R169T.
Identifiers: ClinVar variation 179815 (VCV000179815.33), dbSNP rs727505146, ClinGen allele CA185199.